The following is an entry in ClinVar:

NM_000051.4(ATM):c.2466+10C>A

Gene: ATM (ATM serine/threonine kinase; plus strand). Cytogenetic location: 11q22.3.
Variant type: single nucleotide variant.
Coding change: c.2466+10C>A on transcript NM_000051.4 (MANE Select); 10 bases into the intron after coding-DNA position 2466, C replaced by A.
Molecular consequence: intron variant.
Genome position (GRCh38, 1-based): chr11:108,259,085, C>A. VCF-style: chr11-108259085-C-A. GRCh37 (hg19) VCF-style: chr11-108129812-C-A.
Other names: c.2466+10C>A (NM_001351834.2).
Identifiers: ClinVar variation 1083271 (VCV001083271.11), dbSNP rs759158068, ClinGen allele CA2499220593.
Genomic context (GRCh38, chr11:108,259,085, plus strand): 5'-TTGTTAACATCAAAGCTAATGAATGACATTGCAGATATTTGTAAAAGTTTAGTAAGTATG[C>A]TTCCTGTTTTGCTATCATATTTTGATTCTAATAGGCATAATTTTTTTGTTGAAATATCTT-3'

ClinVar aggregate classification (germline): Likely benign. Review status: criteria provided, multiple submitters, no conflicts (2 of 4 stars). 3 submissions from 3 submitters: Likely benign (3). Last evaluated 2024-05-09.

Conditions:
Ataxia-telangiectasia syndrome (AT). Also called: Cerebello-oculocutaneous telangiectasia; Immunodeficiency with ataxia telangiectasia; Ataxia-telangiectasia, complementation group E; LOUIS-BAR SYNDROME; Ataxia-telangiectasia, complementation group D; AT, COMPLEMENTATION GROUP C. Identifiers: Orphanet 100, MedGen C0004135, MONDO:0008840, OMIM 208900.
Familial cancer of breast. Also called: Hereditary breast cancer; BREAST CANCER, FAMILIAL; hereditary breast carcinoma. Identifiers: Orphanet 227535, MedGen C0346153, MONDO:0016419, OMIM 114480. Disease mechanism: loss of function.

Submissions (3):

Myriad Genetics, Inc.
Classification: Likely benign for Familial cancer of breast. Last evaluated: 2024-05-09. Review status: criteria provided, single submitter. Criteria: Myriad Autosomal Dominant, Autosomal Recessive and X-Linked Classification Criteria (2023). Collection method: clinical testing. Allele origin: unknown.
Comment: This variant is considered likely benign. This variant is intronic and is not expected to impact mRNA splicing.

Labcorp Genetics (formerly Invitae), Labcorp
Classification: Likely benign for Ataxia-telangiectasia syndrome. Last evaluated: 2023-10-15. Review status: criteria provided, single submitter. Criteria: Invitae Variant Classification Sherloc (09022015). Collection method: clinical testing. Allele origin: germline.

Blueprint Genetics
Classification: Likely benign. Last evaluated: 2023-08-02. Review status: criteria provided, single submitter. Criteria: ACMG Guidelines, 2015. Collection method: clinical testing. Allele origin: germline.